The following is an entry in ClinVar:

NM_001303.4(COX10):c.1139C>T (p.Thr380Ile)

Gene: COX10 (cytochrome c oxidase assembly factor heme A:farnesyltransferase COX10; plus strand). Cytogenetic location: 17p12.
Variant type: single nucleotide variant.
Coding change: c.1139C>T on transcript NM_001303.4 (MANE Select); coding-DNA position 1139, C replaced by T.
Protein change: p.Thr380Ile; replaces threonine 380 with isoleucine.
Molecular consequence: missense variant.
Genome position (GRCh38, 1-based): chr17:14,207,020, C>T. VCF-style: chr17-14207020-C-T. GRCh37 (hg19) VCF-style: chr17-14110337-C-T.
Other names: p.Thr380Ile; short protein forms T380I.
Identifiers: ClinVar variation 1693695 (VCV001693695.6), dbSNP rs2142273429, ClinGen allele CA398226479.

ClinVar aggregate classification (germline): Uncertain significance (1 of 4 stars; one submission).

gnomAD v4.1: 1 of 1,614,096 alleles (0.000062%); highest among the groups gnomAD compares: Non-Finnish European, 0.000085%; no homozygotes.

Submissions (2):

Mayo Clinic Laboratories, Mayo Clinic
Classification: Uncertain significance. Last evaluated: 2021-12-22. Review status: criteria provided, single submitter. Criteria: ACMG Guidelines, 2015. Collection method: clinical testing. Allele origin: germline.

Johnston Lab, North Central College
No classification provided (evidence only). Review status: no classification provided. Collection method: in vitro. Allele origin: not applicable. Functional consequence: loss_of_function_variant. Not counted in ClinVar's aggregate classification.
ClinVar note: "not provided" was previously submitted as the classification for the variant. However, the classification appeared to be based only on an observation of functional data so it was converted to no classification on 2025-07-30.